The following is an entry in ClinVar:

ClinVar aggregate classification (germline): Uncertain significance (1 of 4 stars; one submission).

Submissions (2):

GeneDx
Classification: Uncertain significance. Last evaluated: 2019-02-13. Review status: criteria provided, single submitter. Criteria: GeneDx Variant Classification Process June 2021. Collection method: clinical testing. Allele origin: germline. Affected: yes.
Comment: Not observed in large population cohorts (Lek et al., 2016); In silico analysis, which includes protein predictors and evolutionary conservation, supports a deleterious effect; Has not been previously published as pathogenic or benign to our knowledge

Dr. Peter K. Rogan Lab, Western University
No classification provided (evidence only). Condition: Thyroid cancer, nonmedullary, 1. Review status: no classification provided. Collection method: in vitro. Allele origin: not applicable. Functional consequence: retained intron. Not counted in ClinVar's aggregate classification.

NM_001111125.3(IQSEC2):c.1165C>T (p.Arg389Trp)

Gene: IQSEC2 (IQ motif and Sec7 domain ArfGEF 2; minus strand). Cytogenetic location: Xp11.22.
Variant type: single nucleotide variant.
Coding change: c.1165C>T on transcript NM_001111125.3 (MANE Select); coding-DNA position 1165, C replaced by T.
Protein change: p.Arg389Trp; replaces arginine 389 with tryptophan.
Molecular consequence: missense variant.
Genome position (GRCh38, 1-based): chrX:53,254,766, G>A on the plus strand (C>T on the coding strand, the complement: IQSEC2 is on the minus strand). VCF-style: chrX-53254766-G-A. GRCh37 (hg19) VCF-style: chrX-53283948-G-A.
Other names: NC_000023.10:g.53283948G>A; c.550C>T, p.Arg184Trp (NM_015075.2); short protein forms R184W, R389W.
Identifiers: ClinVar variation 1306067 (VCV001306067.3), dbSNP rs1556864680, ClinGen allele CA413169820.